The following is an entry in ClinVar:

NM_000051.4(ATM):c.3453dup (p.Ser1152fs)

Gene: ATM (ATM serine/threonine kinase; plus strand). Cytogenetic location: 11q22.3.
Variant type: Duplication.
Coding change: c.3453dup on transcript NM_000051.4 (MANE Select); coding-DNA position 3453, one base duplicated (A; older notation c.3453dupA).
Protein change: p.Ser1152fs; shifts the reading frame from serine 1152.
Molecular consequence: frameshift variant.
Genome position (GRCh38, 1-based): chr11:108,281,045, A duplicated; the last of 4 consecutive A bases (chr11:108,281,042-108,281,045); duplicating any one gives the same sequence. VCF-style (leftmost placement, unchanged base first): chr11-108281041-G-GA. GRCh37 (hg19) VCF-style: chr11-108151768-G-GA.
Other names: c.3453dup, p.Ser1152fs (NM_001351834.2); short protein forms S1152fs.
Identifiers: ClinVar variation 1451243 (VCV001451243.9), dbSNP rs2135666539, ClinGen allele CA2573146466.

ClinVar aggregate classification (germline): Pathogenic. Review status: criteria provided, multiple submitters, no conflicts (2 of 4 stars). 3 submissions from 3 submitters: Pathogenic (3). Last evaluated 2025-03-14.

Conditions:
Familial cancer of breast. Also called: BREAST CANCER, FAMILIAL; Hereditary breast cancer; hereditary breast carcinoma. Identifiers: Orphanet 227535, MedGen C0346153, MONDO:0016419, OMIM 114480. Disease mechanism: loss of function.
Hereditary cancer-predisposing syndrome. Also called: Tumor predisposition; Hereditary neoplastic syndrome; Hereditary Cancer Syndrome; Neoplastic Syndromes, Hereditary. Identifiers: Orphanet 140162, MedGen C0027672, MeSH D009386, MONDO:0015356.
Ataxia-telangiectasia syndrome (AT). Also called: Ataxia-telangiectasia; LOUIS-BAR SYNDROME; AT, COMPLEMENTATION GROUP C; Ataxia-telangiectasia, complementation group E; Ataxia telangiectasia (A-T); Cerebello-oculocutaneous telangiectasia. Identifiers: Orphanet 100, MedGen C0004135, MONDO:0008840, OMIM 208900.

Submissions (3):

Ambry Genetics
Classification: Pathogenic for Hereditary cancer-predisposing syndrome. Last evaluated: 2025-03-14. Review status: criteria provided, single submitter. Criteria: Ambry Variant Classification Scheme 2023. Collection method: clinical testing. Allele origin: germline.
Comment: The c.3453dupA pathogenic mutation, located in coding exon 23 of the ATM gene, results from a duplication of A at nucleotide position 3453, causing a translational frameshift with a predicted alternate stop codon (p.S1152Ifs*14). This variant is considered to be rare based on population cohorts in the Genome Aggregation Database (gnomAD). This alteration is expected to result in loss of function by premature protein truncation or nonsense-mediated mRNA decay. As such, this alteration is interpreted as a disease-causing mutation.

Myriad Genetics, Inc.
Classification: Pathogenic for Familial cancer of breast. Last evaluated: 2024-01-22. Review status: criteria provided, single submitter. Criteria: Myriad Autosomal Dominant, Autosomal Recessive and X-Linked Classification Criteria (2023). Collection method: clinical testing. Allele origin: unknown.
Comment: This variant is considered pathogenic. This variant creates a frameshift predicted to result in premature protein truncation.

Labcorp Genetics (formerly Invitae), Labcorp
Classification: Pathogenic for Ataxia-telangiectasia syndrome. Last evaluated: 2021-06-01. Review status: criteria provided, single submitter. Criteria: Invitae Variant Classification Sherloc (09022015). Collection method: clinical testing. Allele origin: germline.
Comment: This sequence change creates a premature translational stop signal (p.Ser1152Ilefs*14) in the ATM gene. It is expected to result in an absent or disrupted protein product. Loss-of-function variants in ATM are known to be pathogenic (PMID: 23807571, 25614872). This variant is not present in population databases (ExAC no frequency). This variant has not been reported in the literature in individuals with ATM-related conditions. For these reasons, this variant has been classified as Pathogenic.

Literature cited by the submitters: PubMed 23807571 (cited by Labcorp Genetics (formerly Invitae), Labcorp); PubMed 25614872 (cited by Labcorp Genetics (formerly Invitae), Labcorp).